The following is an entry in ClinVar:

ClinVar aggregate classification (germline): Likely benign. Review status: criteria provided, multiple submitters, no conflicts (2 of 4 stars). 2 submissions from 2 submitters: Likely benign (2). Last evaluated 2026-06-04.

Conditions:
Inborn genetic diseases. Identifiers: MedGen C0950123, MeSH D030342.
PCNT-related disorder. Also called: PCNT-related condition.

Submissions (2):

PreventionGenetics, part of Exact Sciences
Classification: Likely benign for PCNT-related condition. Last evaluated: 2026-06-04. Review status: criteria provided, single submitter. Criteria: ACMG Guidelines, 2015. Collection method: clinical testing. Allele origin: germline.
Comment: This variant is classified as likely benign based on ACMG/AMP sequence variant interpretation guidelines (Richards et al. 2015 PMID: 25741868, with internal and published modifications).

Ambry Genetics
Classification: Likely benign for Inborn genetic diseases. Last evaluated: 2026-04-06. Review status: criteria provided, single submitter. Criteria: Ambry Variant Classification Scheme 2023. Collection method: clinical testing. Allele origin: germline.

NM_006031.6(PCNT):c.9624A>G (p.Arg3208=)

Gene: PCNT (pericentrin; plus strand). Cytogenetic location: 21q22.3.
Variant type: single nucleotide variant.
Coding change: c.9624A>G on transcript NM_006031.6 (MANE Select); coding-DNA position 9624, A replaced by G.
Protein change: p.Arg3208=; no amino-acid change (arginine 3208 retained).
Molecular consequence: synonymous variant.
Genome position (GRCh38, 1-based): chr21:46,442,497, A>G. VCF-style: chr21-46442497-A-G. GRCh37 (hg19) VCF-style: chr21-47862410-A-G.
Other names: c.9033A>G, p.Arg3011= (NM_001315529.2).
Identifiers: ClinVar variation 4861677 (VCV004861677.2).
Genomic context (GRCh38, chr21:46,442,497, plus strand): 5'-TGCTCTTTCCCTTCCTGTCTTGCCGTACTTTTAAGTGTGTCTTGTCTCTTTTTTTTGTAG[A>G]TTACGTTTTTTGGTTAAGAAATGGCAAGAAGTAGATCGGAAAGGAGCTCTGGCACAAGGC-3'
Protein context (NP_006022.3, residues 3198-3218): TAVRVVIAIL[Arg3208=]LRFLVKKWQE